The following is an entry in ClinVar:

ClinVar aggregate classification (germline): Likely benign. Review status: criteria provided, multiple submitters, no conflicts (2 of 4 stars). 3 submissions from 3 submitters: Likely benign (3). Last evaluated 2026-03-18.

Conditions:
SPG11-related disorder. Also called: SPG11-related condition.
Hereditary spastic paraplegia 11. Also called: Spastic paraplegia, mental retardation and thin corpus callosum; Spastic Paraplegia 11; SPASTIC PARAPLEGIA, AUTOSOMAL RECESSIVE, COMPLICATED, WITH THIN CORPUS CALLOSUM; SPASTIC PARAPLEGIA, AUTOSOMAL RECESSIVE, WITH MENTAL IMPAIRMENT AND THIN CORPUS CALLOSUM; Nakamura Osame syndrome; Autosomal recessive hereditary spastic paraplegia, mental impairment, and thin corpus callosum. Identifiers: Orphanet 2822, MedGen C1858479, MONDO:0011445, OMIM 604360.

Allele frequency attached by ClinVar (database versions not stated): gnomAD exomes 0.00001 and 0.00002; ExAC 0.00002; ESP Exome Variant Server 0.00008; gnomAD 0.00012 and 0.00013; 1000 Genomes Project 30x 0.00016; 1000 Genomes Project 0.00020; TOPMed 0.00020.
gnomAD v4.1: 35 of 1,614,236 alleles (0.0022%); highest among the groups gnomAD compares: African/African-American, 0.047%; no homozygotes.

Submissions (3):

PreventionGenetics, part of Exact Sciences
Classification: Likely benign for SPG11-related condition. Last evaluated: 2026-03-18. Review status: criteria provided, single submitter. Criteria: ACMG Guidelines, 2015. Collection method: clinical testing. Allele origin: germline.
Comment: This variant is classified as likely benign based on ACMG/AMP sequence variant interpretation guidelines (Richards et al. 2015 PMID: 25741868, with internal and published modifications).

Labcorp Genetics (formerly Invitae), Labcorp
Classification: Likely benign for Hereditary spastic paraplegia 11. Last evaluated: 2025-11-25. Review status: criteria provided, single submitter. Criteria: Invitae Variant Classification Sherloc (09022015). Collection method: clinical testing. Allele origin: germline.

CeGaT Center for Human Genetics Tuebingen
Classification: Likely benign. Last evaluated: 2025-02-01. Review status: criteria provided, single submitter. Criteria: CeGaT Center For Human Genetics Tuebingen Variant Classification Criteria Version 2. Collection method: clinical testing. Allele origin: germline. Affected: yes. Observed: 1 variant allele.
Comment: SPG11: BP4, BP7

NM_025137.4(SPG11):c.5461A>C (p.Arg1821=)

Gene: SPG11 (SPG11 vesicle trafficking associated, spatacsin; minus strand). Cytogenetic location: 15q21.1.
Variant type: single nucleotide variant.
Coding change: c.5461A>C on transcript NM_025137.4 (MANE Select); coding-DNA position 5461, A replaced by C.
Protein change: p.Arg1821=; no amino-acid change (arginine 1821 retained).
Molecular consequence: synonymous variant.
Genome position (GRCh38, 1-based): chr15:44,584,219, T>G on the plus strand (A>C on the coding strand, the complement: SPG11 is on the minus strand). VCF-style: chr15-44584219-T-G. GRCh37 (hg19) VCF-style: chr15-44876417-T-G.
Other names: c.5461A>C, p.Arg1821= (NM_001160227.2).
Identifiers: ClinVar variation 699177 (VCV000699177.23), dbSNP rs142526742, ClinGen allele CA7534404.